The following is an entry in ClinVar:

ClinVar aggregate classification (germline): Likely pathogenic (1 of 4 stars; one submission).

Conditions:
Bloom syndrome (BLM). Also called: Bloom-Torre-Machacek syndrome. Identifiers: Orphanet 125, MedGen C0005859, MONDO:0008876, OMIM 210900.

Submission:

Labcorp Genetics (formerly Invitae), Labcorp
Classification: Likely pathogenic for Bloom syndrome. Last evaluated: 2021-06-05. Review status: criteria provided, single submitter. Criteria: Invitae Variant Classification Sherloc (09022015). Collection method: clinical testing. Allele origin: germline.
Comment: This sequence change affects a donor splice site in intron 10 of the BLM gene. It is expected to disrupt RNA splicing. Variants that disrupt the donor or acceptor splice site typically lead to a loss of protein function (PMID: 16199547), and loss-of-function variants in BLM are known to be pathogenic (PMID: 17407155). This variant is not present in population databases (ExAC no frequency). This variant has not been reported in the literature in individuals with BLM-related conditions. Algorithms developed to predict the effect of sequence changes on RNA splicing suggest that this variant may disrupt the consensus splice site, but this prediction has not been confirmed by published transcriptional studies. In summary, the currently available evidence indicates that the variant is pathogenic, but additional data are needed to prove that conclusively. Therefore, this variant has been classified as Likely Pathogenic.

Literature cited by the submitters: PubMed 16199547; PubMed 17407155.

NM_000057.4(BLM):c.2307+2T>G

Gene: BLM (BLM RecQ like helicase; plus strand). Cytogenetic location: 15q26.1.
Variant type: single nucleotide variant.
Coding change: c.2307+2T>G on transcript NM_000057.4 (MANE Select); the canonical splice donor site of the intron after coding-DNA position 2307, T replaced by G.
Molecular consequence: splice donor variant.
Genome position (GRCh38, 1-based): chr15:90,767,025, T>G. VCF-style: chr15-90767025-T-G. GRCh37 (hg19) VCF-style: chr15-91310255-T-G.
Other names: c.2307+2T>G (NM_001287246.2, NM_001287247.2); c.1182+2T>G (NM_001287248.2).
Identifiers: ClinVar variation 1501365 (VCV001501365.8), dbSNP rs2151164052, ClinGen allele CA393845011.